The following is an entry in ClinVar:

ClinVar aggregate classification (germline): Uncertain significance (1 of 4 stars; one submission).

Conditions:
WAS-related disorder. Also called: WAS-related condition; WAS-Related Disorders. Identifiers: MedGen CN381538.

Submission:

PreventionGenetics, part of Exact Sciences
Classification: Uncertain significance for WAS-related condition. Last evaluated: 2023-06-29. Review status: criteria provided, single submitter. Criteria: ACMG Guidelines, 2015. Collection method: clinical testing. Allele origin: germline.
Comment: The WAS c.752_753delinsAA variant is predicted to result in an in-frame deletion and insertion. To our knowledge, this variant has not been reported in the literature or in a large population database, indicating this variant is rare. At this time, the clinical significance of this variant is uncertain due to the absence of conclusive functional and genetic evidence.

NM_000377.3(WAS):c.752_753delinsAA (p.Gly251Glu)

Gene: WAS (WASP actin nucleation promoting factor; plus strand). Cytogenetic location: Xp11.23.
Variant type: Indel.
Coding change: c.752_753delinsAA on transcript NM_000377.3 (MANE Select); coding-DNA positions 752 to 753, GG replaced by AA.
Protein change: p.Gly251Glu; replaces glycine 251 with glutamic acid.
Molecular consequence: missense variant.
Genome position (GRCh38, 1-based): chrX:48,688,071-48,688,072, GG replaced by AA. VCF-style: chrX-48688071-GG-AA. GRCh37 (hg19) VCF-style: chrX-48546460-GG-AA.
Other names: c.752_753delGGinsAA, p.Gly251Glu (NM_000377.2); short protein forms G251E.
Identifiers: ClinVar variation 2631416 (VCV002631416.1), dbSNP rs2519285187, ClinGen allele CA2695200194.